The following is an entry in ClinVar:

ClinVar aggregate classification (germline): Uncertain significance. Review status: criteria provided, multiple submitters, no conflicts (2 of 4 stars). 3 submissions from 3 submitters: Uncertain significance (3). Last evaluated 2025-08-03.

Conditions:
POLD1-related polyposis and colorectal cancer syndrome (CRCS10). Also called: Colorectal cancer 10; COLORECTAL CANCER, SUSCEPTIBILITY TO, ON CHROMOSOME 19q; Colorectal cancer, susceptibility to, 10. Identifiers: Orphanet 220460, MedGen C2675481, MONDO:0012953, OMIM 612591.
Hereditary cancer-predisposing syndrome. Also called: Tumor predisposition; Neoplastic Syndromes, Hereditary; Hereditary Cancer Syndrome; Hereditary neoplastic syndrome. Identifiers: Orphanet 140162, MedGen C0027672, MeSH D009386, MONDO:0015356.

Submissions (3):

Labcorp Genetics (formerly Invitae), Labcorp
Classification: Uncertain significance for POLD1-related polyposis and colorectal cancer syndrome. Last evaluated: 2025-08-03. Review status: criteria provided, single submitter. Criteria: Invitae Variant Classification Sherloc (09022015). Collection method: clinical testing. Allele origin: germline.
Comment: This sequence change creates a premature translational stop signal (p.Glu159Serfs*10) in the POLD1 gene. Missense variants that disrupt the 3'-5' exonuclease (proof-reading) activity of the POLD1 protein are associated with PPAP (polymerase proofreading–associated polyposis) (PMID: 23263490, 23447401). However, loss-of-function variants that result in an absent or severely disrupted POLD1 protein, and missense variants outside the exonuclease domain, are unlikely to be associated with PPAP. This variant is present in population databases (rs764964017, gnomAD 0.004%). This variant has not been reported in the literature in individuals affected with POLD1-related conditions. ClinVar contains an entry for this variant (Variation ID: 537095). In summary, the available evidence is currently insufficient to determine the role of this variant in disease. Therefore, it has been classified as a Variant of Uncertain Significance.

Ambry Genetics
Classification: Uncertain significance for Hereditary cancer-predisposing syndrome. Last evaluated: 2025-06-28. Review status: criteria provided, single submitter. Criteria: Ambry Variant Classification Scheme 2023. Collection method: clinical testing. Allele origin: germline.
Comment: The c.471delG variant, located in coding exon 4 of the POLD1 gene, results from a deletion of one nucleotide at nucleotide position 471, causing a translational frameshift with a predicted alternate stop codon (p.E159Sfs*10). This alteration is expected to result in loss of function by premature protein truncation or nonsense-mediated mRNA decay. However, loss of function via haploinsufficiency in POLD1 has not been clearly established as a mechanism of disease. Since supporting evidence is limited at this time, the clinical significance of this alteration remains unclear.

GeneDx
Classification: Uncertain significance. Last evaluated: 2022-12-23. Review status: criteria provided, single submitter. Criteria: GeneDx Variant Classification Process June 2021. Collection method: clinical testing. Allele origin: germline. Affected: yes.
Comment: Not observed at significant frequency in large population cohorts (gnomAD); Has not been previously published as pathogenic or benign to our knowledge; Frameshift variant predicted to result in protein truncation or nonsense mediated decay, but clinical significance is uncertain; This variant is associated with the following publications: (PMID: 27694994)

Literature cited by the submitters: PubMed 23263490 (cited by Labcorp Genetics (formerly Invitae), Labcorp); PubMed 23447401 (cited by Labcorp Genetics (formerly Invitae), Labcorp).

NM_002691.4(POLD1):c.471del (p.Glu159fs)

Gene: POLD1 (DNA polymerase delta 1, catalytic subunit; plus strand). Cytogenetic location: 19q13.33.
Variant type: Deletion.
Coding change: c.471del on transcript NM_002691.4 (MANE Select); coding-DNA position 471, one base deleted (G; older notation c.471delG).
Protein change: p.Glu159fs; shifts the reading frame from glutamic acid 159.
Molecular consequence: frameshift variant. On other transcripts: non-coding transcript variant (1).
Genome position (GRCh38, 1-based): chr19:50,402,006, G deleted; the last of 3 consecutive G bases (chr19:50,402,004-50,402,006); deleting any one gives the same sequence. VCF-style (leftmost placement, unchanged base first): chr19-50402003-CG-C. GRCh37 (hg19) VCF-style: chr19-50905260-CG-C.
Other names: c.471del (NM_002691.3); c.471del, p.Glu159fs (NM_001256849.1, NM_001308632.1); short protein forms E159fs.
Identifiers: ClinVar variation 537095 (VCV000537095.17), dbSNP rs764964017, ClinGen allele CA9595754.